The following is an entry in ClinVar:

NM_152564.5(VPS13B):c.6377C>G (p.Thr2126Ser)

Gene: VPS13B (vacuolar protein sorting 13 homolog B; plus strand). Cytogenetic location: 8q22.2.
Variant type: single nucleotide variant.
Coding change: c.6377C>G on transcript NM_152564.5 (MANE Select); coding-DNA position 6377, C replaced by G.
Protein change: p.Thr2126Ser; replaces threonine 2126 with serine.
Molecular consequence: missense variant.
Genome position (GRCh38, 1-based): chr8:99,699,855, C>G. VCF-style: chr8-99699855-C-G. GRCh37 (hg19) VCF-style: chr8-100712083-C-G.
Other names: c.6452C>G, p.Thr2151Ser (NM_017890.5); short protein forms T2126S, T2151S.
Identifiers: ClinVar variation 2109676 (VCV002109676.2), dbSNP rs1832194777, ClinGen allele CA371875037.
Genomic context (GRCh38, chr8:99,699,855, plus strand): 5'-TTCAAAAAATTTCTGTTCAAACTACTCAGATTGTGATCTCCATGGAAACTGTACCCCATA[C>G]CAGCAAACCATGCCTGTTAGCATCTCTCTCAAACCTCAATGGAAGCCTTAGTGTCAAGGC-3'
Protein context (NP_689777.3, residues 2116-2136): IVISMETVPH[Thr2126Ser]SKPCLLASLS

ClinVar aggregate classification (germline): Uncertain significance (1 of 4 stars; one submission).

Conditions:
Cohen syndrome (COH1). Also called: Cutis verticis gyrata, retinitis pigmentosa, and sensorineural deafness; PEPPER SYNDROME. Identifiers: Orphanet 193, MedGen C0265223, MONDO:0008999, OMIM 216550.

Submission:

Labcorp Genetics (formerly Invitae), Labcorp
Classification: Uncertain significance for Cohen syndrome. Last evaluated: 2022-06-13. Review status: criteria provided, single submitter. Criteria: Invitae Variant Classification Sherloc (09022015). Collection method: clinical testing. Allele origin: germline.
Comment: In summary, the available evidence is currently insufficient to determine the role of this variant in disease. Therefore, it has been classified as a Variant of Uncertain Significance. Algorithms developed to predict the effect of missense changes on protein structure and function are either unavailable or do not agree on the potential impact of this missense change (SIFT: "Not Available"; PolyPhen-2: "Benign"; Align-GVGD: "Not Available"). This variant has not been reported in the literature in individuals affected with VPS13B-related conditions. This variant is not present in population databases (gnomAD no frequency). This sequence change replaces threonine, which is neutral and polar, with serine, which is neutral and polar, at codon 2151 of the VPS13B protein (p.Thr2151Ser).